The following is an entry in ClinVar:

NM_033305.3(VPS13A):c.16dup (p.Val6fs)

Genes: VPS13A (vacuolar protein sorting 13 homolog A; plus strand), VPS13A-AS1 (VPS13A antisense RNA 1; minus strand). Cytogenetic location: 9q21.2.
Variant type: Duplication.
Coding change: c.16dup on transcript NM_033305.3 (MANE Select); coding-DNA position 16, one base duplicated (G; older notation c.16dupG).
Protein change: p.Val6fs; shifts the reading frame from valine 6.
Molecular consequence: frameshift variant. On other transcripts: non-coding transcript variant (1).
Genome position (GRCh38, 1-based): chr9:77,177,720, G duplicated; the last of 2 consecutive G bases (chr9:77,177,719-77,177,720); duplicating either gives the same sequence. VCF-style (leftmost placement, unchanged base first): chr9-77177718-C-CG. GRCh37 (hg19) VCF-style: chr9-79792634-C-CG.
Other names: c.16dup, p.Val6fs (NM_001018037.2, NM_001018038.3, NM_015186.4); short protein forms V6fs.
Identifiers: ClinVar variation 5011994 (VCV005011994.1).
Genomic context (GRCh38, chr9:77,177,718, plus strand): 5'-AGGAGGAGCGCACGGGCCGGCTGCCGTGCCCACCACGGCTGAGGAACATGGTTTTCGAGT[C>CG]GGTGGTCGTGGACGTGTTGAACCGGTTCTTGGGGGACTATGTGGTGGACTTGGACACGTC-3'

ClinVar aggregate classification (germline): Pathogenic (1 of 4 stars; one submission).

Conditions:
VPS13A-related neurodegenerative disease. Also called: ACANTHOCYTOSIS WITH NEUROLOGIC DISORDER; LEVINE-CRITCHLEY SYNDROME; Choreoacanthocytosis; Chorea-acanthocytosis; Choreaacanthocytosis; VPS13A Disease. Identifiers: Orphanet 2388, MedGen C0393576, MONDO:0008695, OMIM 200150.

Submission:

Myriad Genetics, Inc.
Classification: Pathogenic for VPS13A-related neurodegenerative disease. Last evaluated: 2023-09-27. Review status: criteria provided, single submitter. Criteria: Myriad Autosomal Dominant, Autosomal Recessive and X-Linked Classification Criteria (2023). Collection method: clinical testing. Allele origin: unknown.
Comment: NM_033305.2(VPS13A):c.16dupG(V6Gfs*39) is expected to be pathogenic in the context of VPS13A disease. This variant is predicted to lead to an abnormal or absent protein product due to the creation of a premature termination codon in VPS13A, a gene where loss-of-function variants are known to be pathogenic. Please note: this variant was assessed in the context of healthy population screening.